The following is an entry in ClinVar:

NM_006648.4(WNK2):c.2051G>T (p.Gly684Val)

Gene: WNK2 (WNK lysine deficient protein kinase 2; plus strand). Cytogenetic location: 9q22.31.
Variant type: single nucleotide variant.
Coding change: c.2051G>T on transcript NM_006648.4 (MANE Select); coding-DNA position 2051, G replaced by T.
Protein change: p.Gly684Val; replaces glycine 684 with valine.
Molecular consequence: missense variant.
Genome position (GRCh38, 1-based): chr9:93,256,315, G>T. VCF-style: chr9-93256315-G-T. GRCh37 (hg19) VCF-style: chr9-96018597-G-T.
Other names: c.2051G>T, p.Gly684Val (NM_001282394.3); short protein forms G684V.
Identifiers: ClinVar variation 4842140 (VCV004842140.1).

ClinVar aggregate classification (germline): Uncertain significance (1 of 4 stars; one submission).

Submission:

Ambry Genetics
Classification: Uncertain significance. Last evaluated: 2026-01-13. Review status: criteria provided, single submitter. Criteria: Ambry Variant Classification Scheme 2023. Collection method: clinical testing. Allele origin: germline.
Comment: The p.G684V variant (also known as c.2051G>T), located in coding exon 9 of the WNK2 gene, results from a G to T substitution at nucleotide position 2051. The glycine at codon 684 is replaced by valine, an amino acid with dissimilar properties. This amino acid position is conserved. In addition, this alteration is predicted to be tolerated by in silico analysis. Based on the available evidence, the clinical significance of this variant remains unclear.